The following is an entry in ClinVar:

ClinVar aggregate classification (germline): Benign. Review status: criteria provided, multiple submitters, no conflicts (2 of 4 stars). 2 submissions from 2 submitters: Benign (2). Last evaluated 2018-06-14.

Allele frequency attached by ClinVar (database versions not stated): ExAC 0.01049; ESP Exome Variant Server 0.02640; gnomAD 0.02702 and 0.02919; 1000 Genomes Project 0.02796; TOPMed 0.02825; 1000 Genomes Project 30x 0.02998.
gnomAD v4.1: 7,806 of 1,492,964 alleles (0.52%); highest among the groups gnomAD compares: African/African-American, 9.2%; 350 homozygotes.

Submissions (2):

GeneDx
Classification: Benign. Last evaluated: 2018-06-14. Review status: criteria provided, single submitter. Criteria: GeneDx Variant Classification (06012015). Collection method: clinical testing. Allele origin: germline. Affected: yes.
Comment: This variant is considered likely benign or benign based on one or more of the following criteria: it is a conservative change, it occurs at a poorly conserved position in the protein, it is predicted to be benign by multiple in silico algorithms, and/or has population frequency not consistent with disease.

Breakthrough Genomics
Classification: Benign. Review status: criteria provided, single submitter. Criteria: ACMG Guidelines, 2015. Collection method: not provided. Allele origin: germline. Inheritance: Autosomal dominant inheritance. Affected: yes.

NM_000093.5(COL5A1):c.3007-36C>G

Gene: COL5A1 (collagen type V alpha 1 chain; plus strand). Cytogenetic location: 9q34.3.
Variant type: single nucleotide variant.
Coding change: c.3007-36C>G on transcript NM_000093.5 (MANE Select); 36 bases into the intron before coding-DNA position 3007, C replaced by G.
Molecular consequence: intron variant.
Genome position (GRCh38, 1-based): chr9:134,802,852, C>G. VCF-style: chr9-134802852-C-G. GRCh37 (hg19) VCF-style: chr9-137694698-C-G.
Other names: c.3007-36C>G (NM_001278074.1).
Identifiers: ClinVar variation 671045 (VCV000671045.2), dbSNP rs73561924, ClinGen allele CA5319728.